The following is an entry in ClinVar:

NC_000023.10:g.(?_77264993)_(77268389_?)del

Gene: ATP7A (ATPase copper transporting alpha; plus strand). Cytogenetic location: Xq21.1.
Variant type: Deletion.
Identifiers: ClinVar variation 1356350 (VCV001356350.5).

ClinVar aggregate classification (germline): Pathogenic (1 of 4 stars; one submission).

Conditions:
Cutis laxa, X-linked (OHS). Also called: EDS IX; Occipital horn syndrome. Identifiers: Orphanet 198, MedGen C0268353, MONDO:0010572, OMIM 304150.
X-linked distal spinal muscular atrophy type 3. Also called: SPINAL MUSCULAR ATROPHY, DISTAL, X-LINKED RECESSIVE; ATP7A-Related Distal Motor Neuropathy; NEURONOPATHY, DISTAL HEREDITARY MOTOR, X-LINKED; NEUROPATHY, DISTAL HEREDITARY MOTOR, X-LINKED. Identifiers: Orphanet 139557, MedGen C1845359, MONDO:0010338, OMIM 300489.
Menkes kinky-hair syndrome (MNK). Also called: Copper transport disease; Classic Menkes Disease; Menkes Disease. Identifiers: Orphanet 565, MedGen C0022716, MONDO:0010651, OMIM 309400.

Submission:

Labcorp Genetics (formerly Invitae), Labcorp
Classification: Pathogenic for X-linked distal spinal muscular atrophy type 3; Cutis laxa, X-linked; Menkes kinky-hair syndrome. Last evaluated: 2021-12-04. Review status: criteria provided, single submitter. Criteria: Invitae Variant Classification Sherloc (09022015). Collection method: clinical testing. Allele origin: germline.
Comment: This variant results in the deletion of exons 8-9 and part of exon 10 of the ATP7A gene. It is expected to disrupt RNA splicing. Variants that disrupt the donor or acceptor splice site typically lead to a loss of protein function (PMID: 16199547), and loss-of-function variants in ATP7A are known to be pathogenic (PMID: 11241493, 20652413). For these reasons, this variant has been classified as Pathogenic. This variant disrupts a region of the ATP7A protein in which other variant(s) (p.Gly727Arg) have been determined to be pathogenic (PMID: 7977350, 28397151, 31124329). This suggests that this is a clinically significant region of the protein, and that variants that disrupt it are likely to be disease-causing. This variant has not been reported in the literature in individuals affected with ATP7A-related conditions.

Literature cited by the submitters: PubMed 16199547; PubMed 11241493; PubMed 20652413; PubMed 7977350; PubMed 28397151; PubMed 31124329.